The following is an entry in ClinVar:

NM_001271.4(CHD2):c.344G>C (p.Ser115Thr)

Gene: CHD2 (chromodomain helicase DNA binding protein 2; plus strand). Cytogenetic location: 15q26.1.
Variant type: single nucleotide variant.
Coding change: c.344G>C on transcript NM_001271.4 (MANE Select); coding-DNA position 344, G replaced by C.
Protein change: p.Ser115Thr; replaces serine 115 with threonine.
Molecular consequence: missense variant.
Genome position (GRCh38, 1-based): chr15:92,927,293, G>C. VCF-style: chr15-92927293-G-C. GRCh37 (hg19) VCF-style: chr15-93470523-G-C.
Other names: c.344G>C, p.Ser115Thr (NM_001042572.3); short protein forms S115T.
Identifiers: ClinVar variation 3767501 (VCV003767501.1).
Genomic context (GRCh38, chr15:92,927,293, plus strand): 5'-TAATTTTACAGATGTGGGAAGAATATCCTGATGTTTATGGGGTCAGGCGGTCAAACCGAA[G>C]CAGACAAGAACCATCGCGATTTAATATTAAGGAAGAGGTAAGGAAAAAATGTTTTAAGGG-3'
Protein context (NP_001262.3, residues 105-125): DVYGVRRSNR[Ser115Thr]RQEPSRFNIK

ClinVar aggregate classification (germline): Uncertain significance (1 of 4 stars; one submission).

Submission:

GeneDx
Classification: Uncertain significance. Last evaluated: 2024-09-10. Review status: criteria provided, single submitter. Criteria: GeneDx Variant Classification Process June 2021. Collection method: clinical testing. Allele origin: germline. Affected: yes.
Comment: Not observed at significant frequency in large population cohorts (gnomAD); In silico analysis indicates that this missense variant does not alter protein structure/function; Has not been previously published as pathogenic or benign to our knowledge